The following is an entry in ClinVar:

ClinVar aggregate classification (germline): Likely pathogenic (1 of 4 stars; one submission).

Conditions:
Kabuki syndrome 1 (KABUK1). Also called: KMT2D-Related Kabuki Syndrome. Identifiers: Orphanet 2322, MedGen CN030661, MONDO:0007843, OMIM 147920.

Submission:

3billion
Classification: Likely pathogenic for Kabuki syndrome 1. Last evaluated: 2022-01-03. Review status: criteria provided, single submitter. Criteria: ACMG Guidelines, 2015. Collection method: clinical testing. Allele origin: germline. Affected: yes. Observed: 1 heterozygote.
Comment: Stop-gained (nonsense): predicted to result in a loss or disruption of normal protein function through nonsense-mediated decay (NMD) or protein truncation. Multiple pathogenic variants are reported downstream of the variant (PVS1_VS). It is not observed in the gnomAD v2.1.1 dataset (PM2_M). Therefore, this variant is classified as likely pathogenic according to the recommendation of ACMG/AMP guideline.

NM_003482.4(KMT2D):c.4987G>T (p.Glu1663Ter)

Gene: KMT2D (lysine methyltransferase 2D; minus strand). Cytogenetic location: 12q13.12.
Variant type: single nucleotide variant.
Coding change: c.4987G>T on transcript NM_003482.4 (MANE Select); coding-DNA position 4987, G replaced by T.
Protein change: p.Glu1663Ter; replaces glutamic acid 1663 with a stop codon.
Molecular consequence: nonsense.
Genome position (GRCh38, 1-based): chr12:49,044,499, C>A on the plus strand (G>T on the coding strand, the complement: KMT2D is on the minus strand). VCF-style: chr12-49044499-C-A. GRCh37 (hg19) VCF-style: chr12-49438282-C-A.
Other names: short protein forms E1663*.
Identifiers: ClinVar variation 1333219 (VCV001333219.1), dbSNP rs192216625, ClinGen allele CA384638752.
Genomic context (GRCh38, chr12:49,044,499, plus strand): 5'-CCTCGGTCTCCTCTTTGCCAGGCTCCACATCAGGGCTGACGGGGCCCTCCAGTTTAATTT[C>A]GCACTCCATGTGCTCCACACCACCTGCGTATGGTGACAGAAGAGATGGAGGCAAATCAGA-3'